The following is an entry in ClinVar:

NM_001018115.3(FANCD2):c.2605+2dup

Genes: FANCD2 (FA complementation group D2; plus strand), LOC107303338 (3p25 FANCD2 Alu-mediated recombination region; plus strand). Cytogenetic location: 3p25.3.
Variant type: Duplication.
Coding change: c.2605+2dup on transcript NM_001018115.3 (MANE Select); the canonical splice donor site of the intron after coding-DNA position 2605, one base duplicated (T; older notation c.2605+2dupT).
Molecular consequence: splice donor variant.
Genome position (GRCh38, 1-based): chr3:10,072,983, T duplicated. VCF-style (leftmost placement, unchanged base first): chr3-10072982-G-GT. GRCh37 (hg19) VCF-style: chr3-10114666-G-GT.
Other names: c.2605+2dup (NM_001319984.2, NM_033084.6, NM_001374254.1); c.2494+2dup (NM_001374253.1).
Identifiers: ClinVar variation 1179138 (VCV001179138.7), dbSNP rs2125048104, ClinGen allele CA2499216328.

ClinVar aggregate classification (germline): Conflicting classifications of pathogenicity. Review status: criteria provided, conflicting classifications (1 of 4 stars). 2 submissions from 2 submitters: Likely pathogenic (1); Uncertain significance (1). Last evaluated 2023-10-13.

Conditions:
Fanconi anemia (FA). Also called: Fanconi's anemia. Identifiers: Orphanet 84, MedGen C0015625, MeSH D005199, MONDO:0019391.
Fanconi anemia complementation group D2. Also called: FANCD2-Related Fanconi Anemia; FANCONI PANCYTOPENIA, TYPE 4; FANCONI ANEMIA, COMPLEMENTATION GROUP D. Identifiers: Orphanet 84, MedGen C3160738, MONDO:0009214, OMIM 227646.

Allele frequency attached by ClinVar (database versions not stated): gnomAD exomes below 0.00001.

Submissions (2):

Labcorp Genetics (formerly Invitae), Labcorp
Classification: Uncertain significance for Fanconi anemia. Last evaluated: 2023-10-13. Review status: criteria provided, single submitter. Criteria: Invitae Variant Classification Sherloc (09022015). Collection method: clinical testing. Allele origin: germline.
Comment: This sequence change falls in intron 27 of the FANCD2 gene. It does not directly change the encoded amino acid sequence of the FANCD2 protein. It affects a nucleotide within the consensus splice site. This variant is not present in population databases (gnomAD no frequency). This variant has not been reported in the literature in individuals affected with FANCD2-related conditions. ClinVar contains an entry for this variant (Variation ID: 1179138). Variants that disrupt the consensus splice site are a relatively common cause of aberrant splicing (PMID: 17576681, 9536098). Algorithms developed to predict the effect of sequence changes on RNA splicing suggest that this variant may disrupt the consensus splice site. In summary, the available evidence is currently insufficient to determine the role of this variant in disease. Therefore, it has been classified as a Variant of Uncertain Significance.

Fulgent Genetics
Classification: Likely pathogenic for Fanconi anemia complementation group D2. Last evaluated: 2021-06-30. Review status: criteria provided, single submitter. Criteria: ACMG Guidelines, 2015. Collection method: clinical testing. Allele origin: unknown.
Comment: This variant has been detected in individual(s) who were sent for testing of Renasight - kidney gene panel.

Literature cited by the submitters: PubMed 17576681 (cited by Labcorp Genetics (formerly Invitae), Labcorp); PubMed 9536098 (cited by Labcorp Genetics (formerly Invitae), Labcorp).